The following is an entry in ClinVar:

NM_001267550.2(TTN):c.67051G>T (p.Val22351Leu)

Genes: TTN (titin; minus strand), TTN-AS1 (TTN antisense RNA 1; plus strand). Cytogenetic location: 2q31.2.
Variant type: single nucleotide variant.
Coding change: c.67051G>T on transcript NM_001267550.2 (MANE Select); coding-DNA position 67051, G replaced by T.
Protein change: p.Val22351Leu; replaces valine 22351 with leucine.
Molecular consequence: missense variant.
Genome position (GRCh38, 1-based): chr2:178,580,328, C>A on the plus strand (G>T on the coding strand, the complement: TTN is on the minus strand). VCF-style: chr2-178580328-C-A. GRCh37 (hg19) VCF-style: chr2-179445055-C-A.
Other names: c.62128G>T, p.Val20710Leu (NM_001256850.1); c.39856G>T, p.Val13286Leu (NM_003319.4); c.59347G>T, p.Val19783Leu (NM_133378.4); c.40231G>T, p.Val13411Leu (NM_133432.3); c.40432G>T, p.Val13478Leu (NM_133437.4); short protein forms V13286L, V13411L, V13478L, V19783L, V20710L, V22351L.
Identifiers: ClinVar variation 1177267 (VCV001177267.5), dbSNP rs764048936, ClinGen allele CA1991384.

ClinVar aggregate classification (germline): Uncertain significance. Review status: criteria provided, multiple submitters, no conflicts (2 of 4 stars). 3 submissions from 3 submitters: Uncertain significance (3). Last evaluated 2021-10-25.

Conditions:
Myopathy, myofibrillar, 9, with early respiratory failure (MFM9). Also called: EDSTROM MYOPATHY; MYOPATHY, PROXIMAL, WITH EARLY RESPIRATORY MUSCLE INVOLVEMENT; Hereditary myopathy with early respiratory failure; Myopathy, distal, with early respiratory failure, autosomal dominant. Identifiers: Orphanet 178464, Orphanet 34521, MedGen C1863599, MONDO:0011362, OMIM 603689.
Hypertrophic cardiomyopathy 9. Also called: Familial hypertrophic cardiomyopathy 9. Identifiers: MedGen C1861065, MONDO:0013412, OMIM 613765.
Dilated cardiomyopathy 1G (CMD1G). Identifiers: Orphanet 154, MedGen C1858763, MONDO:0011400, OMIM 604145.
Tibial muscular dystrophy (TMD). Also called: Udd Distal Myopathy – Tibial Muscular Dystrophy; UDD MYOPATHY; Tibial muscular dystrophy, tardive. Identifiers: Orphanet 609, MedGen C1838244, MONDO:0010870, OMIM 600334.
Early-onset myopathy with fatal cardiomyopathy (CMYO5). Also called: Salih Myopathy; CONGENITAL MYOPATHY 5 WITH CARDIOMYOPATHY. Identifiers: Orphanet 289377, MedGen C2673677, MONDO:0012714, OMIM 611705. Disease mechanism: loss of function.
Autosomal recessive limb-girdle muscular dystrophy type 2J (LGMDR10). Also called: Limb-girdle muscular dystrophy, type 2J; MUSCULAR DYSTROPHY, LIMB-GIRDLE, AUTOSOMAL RECESSIVE 10. Identifiers: Orphanet 140922, MedGen C1837342, MONDO:0012127, OMIM 608807.

Allele frequency attached by ClinVar (database versions not stated): gnomAD exomes 0.00001; TOPMed 0.00002; ExAC 0.00001; gnomAD 0.00001.
gnomAD v4.1: 12 of 1,612,326 alleles (0.00074%); highest among the groups gnomAD compares: Non-Finnish European, 0.00085%; no homozygotes.

Submissions (3):

Fulgent Genetics
Classification: Uncertain significance for Tibial muscular dystrophy; Myopathy, myofibrillar, 9, with early respiratory failure; Dilated cardiomyopathy 1G; Autosomal recessive limb-girdle muscular dystrophy type 2J; Early-onset myopathy with fatal cardiomyopathy; Hypertrophic cardiomyopathy 9. Last evaluated: 2021-10-25. Review status: criteria provided, single submitter. Criteria: ACMG Guidelines, 2015. Collection method: clinical testing. Allele origin: unknown.

Women's Health and Genetics/Laboratory Corporation of America, LabCorp
Classification: Uncertain significance. Last evaluated: 2021-07-06. Review status: criteria provided, single submitter. Criteria: LabCorp Variant Classification Summary - May 2015. Collection method: clinical testing. Allele origin: germline.
Comment: Variant summary: TTN c.59347G>T (p.Val19783Leu) results in a conservative amino acid change located in the A-band of the encoded protein sequence. Three of five in-silico tools predict a damaging effect of the variant on protein function. The variant allele was found at a frequency of 8.1e-06 in 247598 control chromosomes (gnomAD). The available data on variant occurrences in the general population are insufficient to allow any conclusion about variant significance. To our knowledge, no occurrence of c.59347G>T in individuals affected with Dilated Cardiomyopathy and no experimental evidence demonstrating its impact on protein function have been reported. No clinical diagnostic laboratories have submitted clinical-significance assessments for this variant to ClinVar after 2014. Based on the evidence outlined above, the variant was classified as uncertain significance.

Revvity Omics, Revvity
Classification: Uncertain significance. Last evaluated: 2020-11-25. Review status: criteria provided, single submitter. Criteria: ACMG Guidelines, 2015. Collection method: clinical testing. Allele origin: germline.